The following is an entry in ClinVar:

ClinVar aggregate classification (germline): Conflicting classifications of pathogenicity. Review status: criteria provided, conflicting classifications (1 of 4 stars). 3 submissions from 3 submitters: Uncertain significance (2); Likely benign (1). Last evaluated 2025-05-16.

Conditions:
Hereditary cancer-predisposing syndrome. Also called: Hereditary Cancer Syndrome; Neoplastic Syndromes, Hereditary; Hereditary neoplastic syndrome; Tumor predisposition. Identifiers: Orphanet 140162, MedGen C0027672, MeSH D009386, MONDO:0015356.
Hereditary breast ovarian cancer syndrome. Also called: BRCA1- and BRCA2-Associated Hereditary Breast and Ovarian Cancer; Hereditary breast and ovarian cancer syndrome; Hereditary breast and/or ovarian cancer syndrome; Breast and ovarian cancer; Hereditary breast and ovarian cancer; Hereditary breast and ovarian cancer syndrome (HBOC). Identifiers: Orphanet 145, MedGen C0677776, MeSH D061325, MONDO:0003582. Disease mechanism: loss of function.

gnomAD v4.1: 2 of 1,614,150 alleles (0.00012%); no homozygotes.

Submissions (3):

Ambry Genetics
Classification: Likely benign for Hereditary cancer-predisposing syndrome. Last evaluated: 2025-05-16. Review status: criteria provided, single submitter. Criteria: Ambry Variant Classification Scheme 2023. Collection method: clinical testing. Allele origin: germline.

Labcorp Genetics (formerly Invitae), Labcorp
Classification: Uncertain significance for Hereditary breast ovarian cancer syndrome. Last evaluated: 2025-02-19. Review status: criteria provided, single submitter. Criteria: Invitae Variant Classification Sherloc (09022015). Collection method: clinical testing. Allele origin: germline.
Comment: This sequence change replaces lysine, which is basic and polar, with arginine, which is basic and polar, at codon 3132 of the BRCA2 protein (p.Lys3132Arg). This variant is not present in population databases (gnomAD no frequency). This variant has not been reported in the literature in individuals affected with BRCA2-related conditions. ClinVar contains an entry for this variant (Variation ID: 142630). Invitae Evidence Modeling of protein sequence and biophysical properties (such as structural, functional, and spatial information, amino acid conservation, physicochemical variation, residue mobility, and thermodynamic stability) indicates that this missense variant is not expected to disrupt BRCA2 protein function with a negative predictive value of 95%. In summary, the available evidence is currently insufficient to determine the role of this variant in disease. Therefore, it has been classified as a Variant of Uncertain Significance.

Color Diagnostics, LLC DBA Color Health
Classification: Uncertain significance for Hereditary cancer-predisposing syndrome. Last evaluated: 2023-10-31. Review status: criteria provided, single submitter. Criteria: ACMG Guidelines, 2015. Collection method: clinical testing. Allele origin: germline.
Comment: This missense variant replaces lysine with arginine at codon 3132 of the BRCA2 protein. Computational prediction suggests that this variant may not impact protein structure and function (internally defined REVEL score threshold <= 0.5, PMID: 27666373). To our knowledge, functional studies have not been reported for this variant. This variant is reported to have a likelihood ratio for pathogenicity based on personal and family history of 0.954 (PMID: 31853058). This variant has not been identified in the general population by the Genome Aggregation Database (gnomAD). The available evidence is insufficient to determine the role of this variant in disease conclusively. Therefore, this variant is classified as a Variant of Uncertain Significance.

Literature cited by the submitters: PubMed 31853058 (cited by Color Diagnostics, LLC DBA Color Health).

NM_000059.4(BRCA2):c.9395A>G (p.Lys3132Arg)

Gene: BRCA2 (BRCA2 DNA repair associated; plus strand). Cytogenetic location: 13q13.1.
Variant type: single nucleotide variant.
Coding change: c.9395A>G on transcript NM_000059.4 (MANE Select); coding-DNA position 9395, A replaced by G.
Protein change: p.Lys3132Arg; replaces lysine 3132 with arginine.
Molecular consequence: missense variant.
Genome position (GRCh38, 1-based): chr13:32,394,827, A>G. VCF-style: chr13-32394827-A-G. GRCh37 (hg19) VCF-style: chr13-32968964-A-G.
Other names: short protein forms K3132R.
Identifiers: ClinVar variation 142630 (VCV000142630.13), dbSNP rs587782599, ClinGen allele CA026136.
Genomic context (GRCh38, chr13:32,394,827, plus strand): 5'-ACATTATTAAGCCTCATATGTTAATTGCTGCAAGCAACCTCCAGTGGCGACCAGAATCCA[A>G]ATCAGGCCTTCTTACTTTATTTGCTGGAGATTTTTCTGTGTTTTCTGCTAGTCCAAAAGA-3'
Protein context (NP_000050.3, residues 3122-3142): ASNLQWRPES[Lys3132Arg]SGLLTLFAGD